The following is an entry in ClinVar:

ClinVar aggregate classification (germline): Uncertain significance (3 of 4 stars; one submission).

Conditions:
Phenylketonuria (PKU). Also called: OLIGOPHRENIA PHENYLPYRUVICA; Phenylketonurias; FOLLING DISEASE; Phenylketonuria (PKU). Identifiers: Orphanet 716, MedGen C0031485, MONDO:0009861, OMIM 261600. Disease mechanism: loss of function.

Submission:

ClinGen PAH Variant Curation Expert Panel
Classification: Uncertain significance for Phenylketonuria. Last evaluated: 2018-12-09. Review status: reviewed by expert panel. Criteria: ClinGen PAH ACMG Specifications v1. Collection method: curation. Allele origin: germline. Inheritance: Autosomal recessive inheritance.
Comment: The c.1099C>G (p.Leu367Val) variant in PAH is reported in 2 unrelated patients with PKU (from Italy and China). This variant is absent in population databases. Computational evidence is conflicting. In summary, this variant meets criteria to be classified as uncertain significance for PAH. PAH-specific ACMG/AMP criteria applied: PP4_Moderate, PM2.

Literature cited by the submitters: PubMed 10693064; PubMed 26503515.

NM_000277.3(PAH):c.1099C>G (p.Leu367Val)

Gene: PAH (phenylalanine hydroxylase; minus strand). Cytogenetic location: 12q23.2.
Variant type: single nucleotide variant.
Coding change: c.1099C>G on transcript NM_000277.3 (MANE Select); coding-DNA position 1099, C replaced by G.
Protein change: p.Leu367Val; replaces leucine 367 with valine.
Molecular consequence: missense variant.
Genome position (GRCh38, 1-based): chr12:102,843,746, G>C on the plus strand (C>G on the coding strand, the complement: PAH is on the minus strand). VCF-style: chr12-102843746-G-C. GRCh37 (hg19) VCF-style: chr12-103237524-G-C.
Other names: c.1099C>G, p.Leu367Val (NM_001354304.2); short protein forms L367V.
Identifiers: ClinVar variation 619153 (VCV000619153.2), dbSNP rs1565842281, ClinGen allele CA16020938.